The following is an entry in ClinVar:

ClinVar aggregate classification (germline): Uncertain significance (1 of 4 stars; one submission).

Submission:

Women's Health and Genetics/Laboratory Corporation of America, LabCorp
Classification: Uncertain significance. Last evaluated: 2026-04-22. Review status: criteria provided, single submitter. Criteria: LabCorp Variant Classification Summary - May 2015. Collection method: clinical testing. Allele origin: germline.
Comment: Variant summary: The variant involves the deletion of exons 1-21 in the AFF2 gene. A presumed nomenclature of c.(?_-482)_(*9332_?)del has been designated for the purposes of this classification. This deletion includes the entire coding sequence of the gene. As the exact proximal and distal breakpoints are unknown, it may extend beyond the annotated region of the gene to include other flanking genes. Current evidence is not sufficient to establish loss of function in AFF2 as a mechanism for disease. The variant was absent in 15426 control chromosomes. The available data on variant occurrences in the general population are insufficient to allow any conclusion about variant significance. To our knowledge, no occurrence of c.(?_-482)_(*9332_?)del in individuals affected with AFF2-related conditions and no experimental evidence demonstrating its impact on protein function have been reported. No submitters have cited clinical-significance assessments for this variant to ClinVar. Based on the evidence outlined above, the variant was classified as uncertain significance.

NC_000023.10:g.(?_147582136)_(148082194_?)del

Gene: AFF2 (ALF transcription elongation factor 2; plus strand). Cytogenetic location: Xq28.
Variant type: Deletion.
Identifiers: ClinVar variation 4849158 (VCV004849158.1).